The following is an entry in ClinVar:

ClinVar aggregate classification (germline): Uncertain significance (1 of 4 stars; one submission).

Conditions:
Inborn genetic diseases. Identifiers: MedGen C0950123, MeSH D030342.

Submission:

Ambry Genetics
Classification: Uncertain significance for Inborn genetic diseases. Last evaluated: 2020-05-21. Review status: criteria provided, single submitter. Criteria: Ambry Variant Classification Scheme 2023. Collection method: clinical testing. Allele origin: germline.
Comment: The p.Y1561D variant (also known as c.4681T>G), located in coding exon 25 of the SCN9A gene, results from a T to G substitution at nucleotide position 4681. The tyrosine at codon 1561 is replaced by aspartic acid, an amino acid with highly dissimilar properties. This amino acid position is highly conserved in available vertebrate species. In addition, this alteration is predicted to be deleterious by in silico analysis. Since supporting evidence is limited at this time, the clinical significance of this alteration remains unclear.

NM_001365536.1(SCN9A):c.4714T>G (p.Tyr1572Asp)

Genes: SCN1A-AS1 (SCN1A and SCN9A antisense RNA 1; plus strand), SCN9A (sodium voltage-gated channel alpha subunit 9; minus strand). Cytogenetic location: 2q24.3.
Variant type: single nucleotide variant.
Coding change: c.4714T>G on transcript NM_001365536.1 (MANE Select); coding-DNA position 4714, T replaced by G.
Protein change: p.Tyr1572Asp; replaces tyrosine 1572 with aspartic acid.
Molecular consequence: missense variant.
Genome position (GRCh38, 1-based): chr2:166,204,015, A>C on the plus strand (T>G on the coding strand, the complement: SCN9A is on the minus strand). VCF-style: chr2-166204015-A-C. GRCh37 (hg19) VCF-style: chr2-167060525-A-C.
Other names: c.4681T>G, p.Tyr1561Asp (NM_002977.4); short protein forms Y1561D, Y1572D.
Identifiers: ClinVar variation 1742399 (VCV001742399.2), dbSNP rs2468895097, ClinGen allele CA349057373.
Genomic context (GRCh38, chr2:166,204,015, plus strand): 5'-CTACAATGGAGATAATCACAACCACAAAATCAAAAATATTCCATCCTACAGTGAAGTAGT[A>C]GTGTCTGAGGGAGATCAGTTTTAGCACACATTCTCCAGTGAAAAGGATTATAAAAACCAC-3'
Protein context (NP_001352465.1, residues 1562-1582): CVLKLISLRH[Tyr1572Asp]YFTVGWNIFD